The following is an entry in ClinVar:

ClinVar aggregate classification (germline): Uncertain significance (1 of 4 stars; one submission).

Submission:

Labcorp Genetics (formerly Invitae), Labcorp
Classification: Uncertain significance. Last evaluated: 2022-03-19. Review status: criteria provided, single submitter. Criteria: Invitae Variant Classification Sherloc (09022015). Collection method: clinical testing. Allele origin: germline.
Comment: In summary, the available evidence is currently insufficient to determine the role of this variant in disease. Therefore, it has been classified as a Variant of Uncertain Significance. This sequence change replaces leucine, which is neutral and non-polar, with proline, which is neutral and non-polar, at codon 353 of the GNAT2 protein (p.Leu353Pro). This variant is not present in population databases (gnomAD no frequency). This variant has not been reported in the literature in individuals affected with GNAT2-related conditions. Advanced modeling of protein sequence and biophysical properties (such as structural, functional, and spatial information, amino acid conservation, physicochemical variation, residue mobility, and thermodynamic stability) performed at Invitae indicates that this missense variant is expected to disrupt GNAT2 protein function.

NM_001377295.2(GNAT2):c.1058T>C (p.Leu353Pro)

Gene: GNAT2 (G protein subunit alpha transducin 2; minus strand). Cytogenetic location: 1p13.3.
Variant type: single nucleotide variant.
Coding change: c.1058T>C on transcript NM_001377295.2 (MANE Select); coding-DNA position 1058, T replaced by C.
Protein change: p.Leu353Pro; replaces leucine 353 with proline.
Molecular consequence: missense variant.
Genome position (GRCh38, 1-based): chr1:109,603,361, A>G on the plus strand (T>C on the coding strand, the complement: GNAT2 is on the minus strand). VCF-style: chr1-109603361-A-G. GRCh37 (hg19) VCF-style: chr1-110145983-A-G.
Other names: c.1058T>C, p.Leu353Pro (NM_001379232.1, NM_005272.5); short protein forms L353P.
Identifiers: ClinVar variation 2114289 (VCV002114289.4), dbSNP rs2524329757, ClinGen allele CA341530960.